The following is an entry in ClinVar:

NM_001371279.1(REEP1):c.*4A>G

Gene: REEP1 (receptor accessory protein 1; minus strand). Cytogenetic location: 2p11.2.
Variant type: single nucleotide variant.
Coding change: c.*4A>G on transcript NM_001371279.1 (MANE Select); 4 bases downstream of the stop codon, A replaced by G.
Molecular consequence: 3 prime UTR variant.
Genome position (GRCh38, 1-based): chr2:86,217,035, T>C on the plus strand (A>G on the coding strand, the complement: REEP1 is on the minus strand). VCF-style: chr2-86217035-T-C. GRCh37 (hg19) VCF-style: chr2-86444158-T-C.
Other names: c.*65A>G (NM_001164730.2, NM_001164731.2, NM_022912.3 and 1 more transcripts); c.*4A>G (NM_001164732.2, NM_001371280.1).
Identifiers: ClinVar variation 444510 (VCV000444510.45), dbSNP rs772580203, ClinGen allele CA1748650.

ClinVar aggregate classification (germline): Conflicting classifications of pathogenicity. Review status: criteria provided, conflicting classifications (1 of 4 stars). 3 submissions from 3 submitters: Uncertain significance (1); Likely benign (2). Last evaluated 2026-03-10.

Conditions:
REEP1-related disorder. Also called: REEP1-related condition.

Allele frequency attached by ClinVar (database versions not stated): TOPMed 0.00005; gnomAD 0.00007 and 0.00008; gnomAD exomes 0.00008 and 0.00009; ExAC 0.00011.
gnomAD v4.1: 137 of 1,612,942 alleles (0.0085%); highest among the groups gnomAD compares: Non-Finnish European, 0.01%; no homozygotes.

Submissions (3):

PreventionGenetics, part of Exact Sciences
Classification: Likely benign for REEP1-related condition. Last evaluated: 2026-03-10. Review status: criteria provided, single submitter. Criteria: ACMG Guidelines, 2015. Collection method: clinical testing. Allele origin: germline.
Comment: This variant is classified as likely benign based on ACMG/AMP sequence variant interpretation guidelines (Richards et al. 2015 PMID: 25741868, with internal and published modifications).

Blueprint Genetics
Classification: Likely benign. Last evaluated: 2024-09-10. Review status: criteria provided, single submitter. Criteria: ACMG Guidelines, 2015. Collection method: clinical testing. Allele origin: germline.

CeGaT Center for Human Genetics Tuebingen
Classification: Uncertain significance. Last evaluated: 2018-12-01. Review status: criteria provided, single submitter. Criteria: CeGaT Center For Human Genetics Tuebingen Variant Classification Criteria Version 2. Collection method: clinical testing. Allele origin: germline. Affected: yes. Observed: 2 variant alleles.